The following is an entry in ClinVar:

NM_014855.3(AP5Z1):c.33C>T (p.His11=)

Genes: AP5Z1 (adaptor related protein complex 5 subunit zeta 1; plus strand), LOC129997861 (ATAC-STARR-seq lymphoblastoid active region 25565; plus strand). Cytogenetic location: 7p22.1.
Variant type: single nucleotide variant.
Coding change: c.33C>T on transcript NM_014855.3 (MANE Select); coding-DNA position 33, C replaced by T.
Protein change: p.His11=; no amino-acid change (histidine 11 retained).
Molecular consequence: synonymous variant. On other transcripts: 5 prime UTR variant (1), non-coding transcript variant (1).
Genome position (GRCh38, 1-based): chr7:4,775,748, C>T. VCF-style: chr7-4775748-C-T. GRCh37 (hg19) VCF-style: chr7-4815379-C-T.
Other names: c.-249C>T (NM_001364858.1).
Identifiers: ClinVar variation 3045996 (VCV003045996.3), dbSNP rs369687933, ClinGen allele CA4137000.

ClinVar aggregate classification (germline): Likely benign. Review status: criteria provided, single submitter (1 of 4 stars). 2 submissions from 2 submitters: Likely benign (1). 1 of the submissions does not count toward it. Last evaluated 2025-04-17.

Conditions:
Hereditary spastic paraplegia 48. Also called: SPASTIC PARAPLEGIA 48, AUTOSOMAL RECESSIVE; Spastic paraplegia 48. Identifiers: Orphanet 306511, MedGen C3150901, MONDO:0013342, OMIM 613647.
AP5Z1-related disorder. Also called: AP5Z1-related condition.

Allele frequency attached by ClinVar (database versions not stated): gnomAD exomes 0.00001; ExAC 0.00004; ESP Exome Variant Server 0.00008; TOPMed 0.00012; gnomAD 0.00014.
gnomAD v4.1: 36 of 1,605,288 alleles (0.0022%); highest among the groups gnomAD compares: African/African-American, 0.044%; no homozygotes.

Submissions (2):

Labcorp Genetics (formerly Invitae), Labcorp
Classification: Likely benign for Hereditary spastic paraplegia 48. Last evaluated: 2025-04-17. Review status: criteria provided, single submitter. Criteria: Invitae Variant Classification Sherloc (09022015). Collection method: clinical testing. Allele origin: germline.

PreventionGenetics, part of Exact Sciences
Classification: Likely benign for AP5Z1-related condition. Last evaluated: 2019-11-14. Review status: no assertion criteria provided. Collection method: clinical testing. Allele origin: germline. Not counted in ClinVar's aggregate classification.
Comment: This variant is classified as likely benign based on ACMG/AMP sequence variant interpretation guidelines (Richards et al. 2015 PMID: 25741868, with internal and published modifications).